The following is an entry in ClinVar:

ClinVar aggregate classification (germline): Pathogenic (1 of 4 stars; one submission).

Conditions:
Hereditary cancer-predisposing syndrome. Also called: Neoplastic Syndromes, Hereditary; Tumor predisposition; Hereditary Cancer Syndrome; Hereditary neoplastic syndrome. Identifiers: Orphanet 140162, MedGen C0027672, MeSH D009386, MONDO:0015356.

Submission:

Ambry Genetics
Classification: Pathogenic for Hereditary cancer-predisposing syndrome. Last evaluated: 2025-12-30. Review status: criteria provided, single submitter. Criteria: Ambry Variant Classification Scheme 2023. Collection method: clinical testing. Allele origin: germline.
Comment: The c.1020_1021delCC pathogenic mutation, located in coding exon 6 of the CTNNA1 gene, results from a deletion of two nucleotides at nucleotide positions 1020 to 1021, causing a translational frameshift with a predicted alternate stop codon (p.R341Pfs*17). This variant is considered to be rare based on population cohorts in the Genome Aggregation Database (gnomAD). This alteration is expected to result in loss of function by premature protein truncation or nonsense-mediated mRNA decay. As such, this alteration is interpreted as a disease-causing mutation.

NM_001903.5(CTNNA1):c.1020_1021del (p.Arg341fs)

Gene: CTNNA1 (catenin alpha 1; plus strand). Cytogenetic location: 5q31.2.
Variant type: Deletion.
Coding change: c.1020_1021del on transcript NM_001903.5 (MANE Select); coding-DNA positions 1020 to 1021, 2 bases deleted (CC; older notation c.1020_1021delCC).
Protein change: p.Arg341fs; shifts the reading frame from arginine 341.
Molecular consequence: frameshift variant.
Genome position (GRCh38, 1-based): chr5:138,827,676-138,827,677, CC deleted. VCF-style (leftmost placement, unchanged base first): chr5-138827675-TCC-T. GRCh37 (hg19) VCF-style: chr5-138163364-TCC-T.
Other names: c.1020_1021del, p.Arg341fs (NM_001290307.3, NM_001323982.2, NM_001323983.1 and 3 more transcripts); c.711_712del, p.Arg238fs (NM_001290309.3); c.651_652del, p.Arg218fs (NM_001290310.3); short protein forms R218fs, R341fs, R238fs.
Identifiers: ClinVar variation 4841641 (VCV004841641.1).